The following is an entry in ClinVar:

NM_031220.4(PITPNM3):c.*576T>C

Gene: PITPNM3 (PITPNM family member 3; minus strand). Cytogenetic location: 17p13.2.
Variant type: single nucleotide variant.
Coding change: c.*576T>C on transcript NM_031220.4 (MANE Select); 576 bases downstream of the stop codon, T replaced by C.
Molecular consequence: 3 prime UTR variant.
Genome position (GRCh38, 1-based): chr17:6,454,762, A>G on the plus strand (T>C on the coding strand, the complement: PITPNM3 is on the minus strand). VCF-style: chr17-6454762-A-G. GRCh37 (hg19) VCF-style: chr17-6358082-A-G.
Other names: c.*576T>C (NM_001165966.2).
Identifiers: ClinVar variation 324733 (VCV000324733.5), dbSNP rs570375031, ClinGen allele CA10640309.

ClinVar aggregate classification (germline): Benign (1 of 4 stars; one submission).

Conditions:
Cone-rod dystrophy 5 (CORD5). Identifiers: Orphanet 1872, MedGen C1832976, MONDO:0010969, OMIM 600977.

Allele frequency attached by ClinVar (database versions not stated): 1000 Genomes Project 30x 0.00359; 1000 Genomes Project 0.00379; TOPMed 0.00765; gnomAD 0.00870 and 0.00891; gnomAD exomes 0.02194.
gnomAD v4.1: 1,306 of 150,750 alleles (0.87%); highest among the groups gnomAD compares: Non-Finnish European, 1.4%; 10 homozygotes.

Submission:

Illumina Laboratory Services, Illumina
Classification: Benign for Cone-rod dystrophy 5. Last evaluated: 2018-01-13. Review status: criteria provided, single submitter. Criteria: ICSL Variant Classification Criteria 13 December 2019. Collection method: clinical testing. Allele origin: germline.
Comment: This variant was observed in the ICSL laboratory as part of a predisposition screen in an ostensibly healthy population. It had not been previously curated by ICSL or reported in the Human Gene Mutation Database (HGMD: prior to June 1st, 2018), and was therefore a candidate for classification through an automated scoring system. Utilizing variant allele frequency, disease prevalence and penetrance estimates, and inheritance mode, an automated score was calculated to assess if this variant is too frequent to cause the disease. Based on the score and internal cut-off values, a variant classified as benign is not then subjected to further curation. The score for this variant resulted in a classification of benign for this disease.